The following is an entry in ClinVar:

NM_000419.5(ITGA2B):c.1882C>T (p.Arg628Ter)

Gene: ITGA2B (integrin subunit alpha 2b; minus strand). Cytogenetic location: 17q21.31.
Variant type: single nucleotide variant.
Coding change: c.1882C>T on transcript NM_000419.5 (MANE Select); coding-DNA position 1882, C replaced by T.
Protein change: p.Arg628Ter; replaces arginine 628 with a stop codon.
Molecular consequence: nonsense.
Genome position (GRCh38, 1-based): chr17:44,378,707, G>A on the plus strand (C>T on the coding strand, the complement: ITGA2B is on the minus strand). VCF-style: chr17-44378707-G-A. GRCh37 (hg19) VCF-style: chr17-42456075-G-A.
Other names: short protein forms R628*.
Identifiers: ClinVar variation 953033 (VCV000953033.28), dbSNP rs1236922680, ClinGen allele CA399801310.

ClinVar aggregate classification (germline): Pathogenic. Review status: reviewed by expert panel (3 of 4 stars). 3 submissions from 3 submitters: Pathogenic (1). 2 of the submissions do not count toward it. Last evaluated 2020-09-06.

Conditions:
Glanzmann thrombasthenia 1 (GT1). Also called: BLEEDING DISORDER, PLATELET-TYPE, 2; GP IIb-IIIa COMPLEX DEFICIENCY; GLYCOPROTEIN COMPLEX IIb-IIIa DEFICIENCY; PLATELET FIBRINOGEN RECEPTOR DEFICIENCY. Identifiers: MedGen CN300358, MONDO:0031332, OMIM 273800.
Glanzmann thrombasthenia. Also called: THROMBASTHENIA OF GLANZMANN AND NAEGELI; Thrombasthenia; Glanzmann's thrombasthenia; PLATELET GLYCOPROTEIN IIb-IIIa DEFICIENCY. Identifiers: Orphanet 849, MedGen C0040015, MONDO:0100326.

Allele frequency attached by ClinVar (database versions not stated): TOPMed below 0.00001.
gnomAD v4.1: 9 of 1,555,712 alleles (0.00058%); highest among the groups gnomAD compares: Admixed American, 0.0019%; no homozygotes.

Submissions (3):

ClinGen Platelet Disorders Variant Curation Expert Panel, ClinGen
Classification: Pathogenic for Glanzmann thrombasthenia. Last evaluated: 2020-09-06. Review status: reviewed by expert panel. Criteria: ClinGen Platelet ACMG Specifications v2. Collection method: curation. Allele origin: germline. Inheritance: Autosomal recessive inheritance.
Comment: The NM_000419.3:c.1882C>T (p.Arg628Ter) nonsense variant generates a premature stop codon in exon 19 of 30, and is predicted to result in NMD. It has been seen in at least two probands with a phenotype highly specific to GT, including cosegregation in two affected siblings (PMID: 25728920). It occurs at an extremely low frequency of 0.00003983 in the gnomAD Latino population. In summary, based on the evidence available at this time, the variant is classified as pathogenic. GT-specific criteria applied: PVS1, PM2_supporting, PM3, PP1, PP4_strong.

CeGaT Center for Human Genetics Tuebingen
Classification: Pathogenic. Last evaluated: 2022-08-01. Review status: criteria provided, single submitter. Criteria: CeGaT Center For Human Genetics Tuebingen Variant Classification Criteria Version 2. Collection method: clinical testing. Allele origin: germline. Affected: yes. Observed: 1 variant allele. Not counted in ClinVar's aggregate classification.
Comment: ITGA2B: PM3:Strong, PVS1:Strong, PM2:Supporting, PP1

ISTH-SSC Genomics in Thrombosis and Hemostasis, KU Leuven, Center for Molecular and Vascular Biology
Classification: Pathogenic for Glanzmann thrombasthenia 1. Review status: criteria provided, single submitter. Criteria: ACMG Guidelines, 2015. Collection method: clinical testing. Allele origin: germline. Affected: yes. Observed: 2 heterozygotes. Clinical features observed: Bleeding, thrombocytopenia. Not counted in ClinVar's aggregate classification.
Comment: Submitted to GoldVariant by Kathleen Freson, Center for Molecular and Vascular Biology, Leuven, Belgium

Literature cited by the submitters: PubMed 12008952 (cited by ClinGen Platelet Disorders Variant Curation Expert Panel, ClinGen); PubMed 25373348 (cited by ClinGen Platelet Disorders Variant Curation Expert Panel, ClinGen); PubMed 25728920 (cited by ClinGen Platelet Disorders Variant Curation Expert Panel, ClinGen).